The following is an entry in ClinVar:

NM_003128.3(SPTBN1):c.6288G>A (p.Arg2096=)

Gene: SPTBN1 (spectrin beta, non-erythrocytic 1; plus strand). Cytogenetic location: 2p16.2.
Variant type: single nucleotide variant.
Coding change: c.6288G>A on transcript NM_003128.3 (MANE Select); coding-DNA position 6288, G replaced by A.
Protein change: p.Arg2096=; no amino-acid change (arginine 2096 retained).
Molecular consequence: synonymous variant.
Genome position (GRCh38, 1-based): chr2:54,659,198, G>A. VCF-style: chr2-54659198-G-A. GRCh37 (hg19) VCF-style: chr2-54886335-G-A.
Other names: c.6249G>A, p.Arg2083= (NM_178313.3).
Identifiers: ClinVar variation 774814 (VCV000774814.33), dbSNP rs140377991, ClinGen allele CA1661615.
Genomic context (GRCh38, chr2:54,659,198, plus strand): 5'-CTCTATTTTCTCTTAGTTGGAGTTACTGGAAGTGCGCAGACAGCAAGAGGAAGAGGAGAG[G>A]AAGAGGCGGCCGCCTTCTCCCGAGCCGAGCACGAAGGTTTCAGAGGAAGCCGAGTCCCAG-3'
Protein context (NP_003119.2, residues 2086-2106): EVRRQQEEEE[Arg2096=]KRRPPSPEPS

ClinVar aggregate classification (germline): Benign/Likely benign. Review status: criteria provided, multiple submitters, no conflicts (2 of 4 stars). 4 submissions from 4 submitters: Benign (1); Likely benign (2). 1 of the submissions does not count toward it. Last evaluated 2026-09-01.

Conditions:
SPTBN1-related disorder. Also called: SPTBN1-related condition.

Allele frequency attached by ClinVar (database versions not stated): 1000 Genomes Project 30x 0.00078; 1000 Genomes Project 0.00100; gnomAD 0.00250 and 0.00260; ExAC 0.00262; TOPMed 0.00265; gnomAD exomes 0.00272 and 0.00319; ESP Exome Variant Server 0.00277.
gnomAD v4.1: 5,039 of 1,614,106 alleles (0.31%); highest among the groups gnomAD compares: Middle Eastern, 0.45%; 10 homozygotes.

Submissions (4):

CeGaT Center for Human Genetics Tuebingen
Classification: Likely benign. Last evaluated: 2026-09-01. Review status: criteria provided, single submitter. Criteria: CeGaT Center For Human Genetics Tuebingen Variant Classification Criteria Version 2. Collection method: clinical testing. Allele origin: germline. Affected: yes. Observed: 8 variant alleles.
Comment: SPTBN1: BP4, BP7, BS1

Blueprint Genetics
Classification: Likely benign. Last evaluated: 2024-11-26. Review status: criteria provided, single submitter. Criteria: ACMG Guidelines, 2015. Collection method: clinical testing. Allele origin: germline.

Labcorp Genetics (formerly Invitae), Labcorp
Classification: Benign. Last evaluated: 2017-07-27. Review status: criteria provided, single submitter. Criteria: Invitae Variant Classification Sherloc (09022015). Collection method: clinical testing. Allele origin: germline.

PreventionGenetics, part of Exact Sciences
Classification: Benign for SPTBN1-related condition. Last evaluated: 2024-07-22. Review status: no assertion criteria provided. Collection method: clinical testing. Allele origin: germline. Not counted in ClinVar's aggregate classification.
Comment: This variant is classified as benign based on ACMG/AMP sequence variant interpretation guidelines (Richards et al. 2015 PMID: 25741868, with internal and published modifications).